The following is an entry in ClinVar:

NM_032776.3(JMJD1C):c.2533C>A (p.Leu845Ile)

Gene: JMJD1C (jumonji domain containing 1C; minus strand). Cytogenetic location: 10q21.3.
Variant type: single nucleotide variant.
Coding change: c.2533C>A on transcript NM_032776.3 (MANE Select); coding-DNA position 2533, C replaced by A.
Protein change: p.Leu845Ile; replaces leucine 845 with isoleucine.
Molecular consequence: missense variant. On other transcripts: non-coding transcript variant (1).
Genome position (GRCh38, 1-based): chr10:63,213,634, G>T on the plus strand (C>A on the coding strand, the complement: JMJD1C is on the minus strand). VCF-style: chr10-63213634-G-T. GRCh37 (hg19) VCF-style: chr10-64973394-G-T.
Other names: c.1987C>A, p.Leu663Ile (NM_001282948.2, NM_001318154.2); c.1669C>A, p.Leu557Ile (NM_001318153.2); c.2419C>A, p.Leu807Ile (NM_001322252.2); c.1876C>A, p.Leu626Ile (NM_001322254.2, NM_001322258.2); short protein forms L557I, L626I, L663I, L807I, L845I.
Identifiers: ClinVar variation 3626668 (VCV003626668.2).

ClinVar aggregate classification (germline): Uncertain significance (1 of 4 stars; one submission).

Conditions:
Early Myoclonic Encephalopathy. Identifiers: MedGen C0270855.

gnomAD v4.1: 3 of 1,614,214 alleles (0.00019%); highest among the groups gnomAD compares: Non-Finnish European, 0.00025%; no homozygotes.

Submission:

Labcorp Genetics (formerly Invitae), Labcorp
Classification: Uncertain significance for Early Myoclonic Encephalopathy. Last evaluated: 2024-06-22. Review status: criteria provided, single submitter. Criteria: Invitae Variant Classification Sherloc (09022015). Collection method: clinical testing. Allele origin: germline.
Comment: This sequence change replaces leucine, which is neutral and non-polar, with isoleucine, which is neutral and non-polar, at codon 845 of the JMJD1C protein (p.Leu845Ile). This variant is not present in population databases (gnomAD no frequency). This variant has not been reported in the literature in individuals affected with JMJD1C-related conditions. Advanced modeling of protein sequence and biophysical properties (such as structural, functional, and spatial information, amino acid conservation, physicochemical variation, residue mobility, and thermodynamic stability) performed at Invitae indicates that this missense variant is not expected to disrupt JMJD1C protein function with a negative predictive value of 80%. In summary, the available evidence is currently insufficient to determine the role of this variant in disease. Therefore, it has been classified as a Variant of Uncertain Significance.